The following is an entry in ClinVar:

NM_000465.4(BARD1):c.2087C>T (p.Thr696Ile)

Gene: BARD1 (BRCA1 associated RING domain 1; minus strand). Cytogenetic location: 2q35.
Variant type: single nucleotide variant.
Coding change: c.2087C>T on transcript NM_000465.4 (MANE Select); coding-DNA position 2087, C replaced by T.
Protein change: p.Thr696Ile; replaces threonine 696 with isoleucine.
Molecular consequence: missense variant. On other transcripts: non-coding transcript variant (3).
Genome position (GRCh38, 1-based): chr2:214,728,923, G>A on the plus strand (C>T on the coding strand, the complement: BARD1 is on the minus strand). VCF-style: chr2-214728923-G-A. GRCh37 (hg19) VCF-style: chr2-215593647-G-A.
Other names: c.2030C>T, p.Thr677Ile (NM_001282543.2); c.734C>T, p.Thr245Ile (NM_001282545.2); c.677C>T, p.Thr226Ile (NM_001282548.2); c.548C>T, p.Thr183Ile (NM_001282549.2); short protein forms T696I, T226I, T245I, T183I, T677I.
Identifiers: ClinVar variation 489665 (VCV000489665.11), dbSNP rs1289051833, ClinGen allele CA350450644.

ClinVar aggregate classification (germline): Uncertain significance. Review status: criteria provided, multiple submitters, no conflicts (2 of 4 stars). 2 submissions from 2 submitters: Uncertain significance (2). Last evaluated 2023-12-05.

Conditions:
Familial cancer of breast. Also called: Hereditary breast cancer; BREAST CANCER, FAMILIAL; hereditary breast carcinoma. Identifiers: Orphanet 227535, MedGen C0346153, MONDO:0016419, OMIM 114480. Disease mechanism: loss of function.
Hereditary cancer-predisposing syndrome. Also called: Hereditary Cancer Syndrome; Neoplastic Syndromes, Hereditary; Tumor predisposition; Hereditary neoplastic syndrome. Identifiers: Orphanet 140162, MedGen C0027672, MeSH D009386, MONDO:0015356.

Submissions (2):

Color Diagnostics, LLC DBA Color Health
Classification: Uncertain significance for Hereditary cancer-predisposing syndrome. Last evaluated: 2023-12-05. Review status: criteria provided, single submitter. Criteria: ACMG Guidelines, 2015. Collection method: clinical testing. Allele origin: germline.
Comment: This missense variant replaces threonine with isoleucine at codon 696 of the BARD1 protein. Computational prediction suggests that this variant may not impact protein structure and function (internally defined REVEL score threshold <= 0.5, PMID: 27666373). To our knowledge, functional studies have not been reported for this variant. This variant has not been reported in individuals affected with BARD1-related disorders in the literature. This variant has not been identified in the general population by the Genome Aggregation Database (gnomAD). The available evidence is insufficient to determine the role of this variant in disease conclusively. Therefore, this variant is classified as a Variant of Uncertain Significance.

Labcorp Genetics (formerly Invitae), Labcorp
Classification: Uncertain significance for Familial cancer of breast. Last evaluated: 2022-08-18. Review status: criteria provided, single submitter. Criteria: Invitae Variant Classification Sherloc (09022015). Collection method: clinical testing. Allele origin: germline.
Comment: This sequence change replaces threonine, which is neutral and polar, with isoleucine, which is neutral and non-polar, at codon 696 of the BARD1 protein (p.Thr696Ile). This variant is not present in population databases (gnomAD no frequency). This variant has not been reported in the literature in individuals affected with BARD1-related conditions. ClinVar contains an entry for this variant (Variation ID: 489665). Algorithms developed to predict the effect of missense changes on protein structure and function (SIFT, PolyPhen-2, Align-GVGD) all suggest that this variant is likely to be tolerated. In summary, the available evidence is currently insufficient to determine the role of this variant in disease. Therefore, it has been classified as a Variant of Uncertain Significance.